The following is an entry in ClinVar:

NM_032551.5(KISS1R):c.574A>G (p.Ser192Gly)

Gene: KISS1R (KISS1 receptor; plus strand). Cytogenetic location: 19p13.3.
Variant type: single nucleotide variant.
Coding change: c.574A>G on transcript NM_032551.5 (MANE Select); coding-DNA position 574, A replaced by G.
Protein change: p.Ser192Gly; replaces serine 192 with glycine.
Molecular consequence: missense variant.
Genome position (GRCh38, 1-based): chr19:919,942, A>G. VCF-style: chr19-919942-A-G. GRCh37 (hg19) VCF-style: chr19-919942-A-G.
Other names: short protein forms S192G.
Identifiers: ClinVar variation 546246 (VCV000546246.3), dbSNP rs553809426, ClinGen allele CA9028805.

ClinVar aggregate classification (germline): Uncertain significance. Review status: criteria provided, multiple submitters, no conflicts (2 of 4 stars). 2 submissions from 2 submitters: Uncertain significance (2). Last evaluated 2023-11-22.

Allele frequency attached by ClinVar (database versions not stated): gnomAD below 0.00001 and 0.00009; TOPMed 0.00001; gnomAD exomes 0.00009 and 0.00023; 1000 Genomes Project 0.00040; 1000 Genomes Project 30x 0.00078; ExAC 0.00087.
gnomAD v4.1: 140 of 1,569,330 alleles (0.0089%); highest among the groups gnomAD compares: South Asian, 0.16%; 1 homozygote.

Submissions (2):

Blueprint Genetics
Classification: Uncertain significance. Last evaluated: 2023-11-22. Review status: criteria provided, single submitter. Criteria: ACMG Guidelines, 2015. Collection method: clinical testing. Allele origin: germline.

GeneDx
Classification: Uncertain significance. Last evaluated: 2018-05-10. Review status: criteria provided, single submitter. Criteria: GeneDx Variant Classification (06012015). Collection method: clinical testing. Allele origin: germline. Affected: yes.
Comment: The S192G variant has not been published as a pathogenic variant, nor has it been reported as a benign variant to our knowledge. The variant is observed in 38/25128 (0.1512%) alleles from individuals of South Asian background in large population cohorts (Lek et al., 2016). S192G is a non-conservative amino acid substitution, which is likely to impact secondary protein structure as these residues differ in polarity, charge, size and/or other properties. In-silico analyses, including protein predictors and evolutionary conservation, support a deleterious effect. In summary, based on the currently available information, it is unclear whether this variant is a pathogenic variant or a rare benign variant.